The following is an entry in ClinVar:

ClinVar aggregate classification (germline): Uncertain significance (1 of 4 stars; one submission).

Conditions:
Inborn genetic diseases. Identifiers: MedGen C0950123, MeSH D030342.

Submission:

Ambry Genetics
Classification: Uncertain significance for Inborn genetic diseases. Last evaluated: 2026-08-24. Review status: criteria provided, single submitter. Criteria: Ambry Variant Classification Scheme 2023. Collection method: clinical testing. Allele origin: germline.
Comment: The p.A4G variant (also known as c.11C>G), located in coding exon 1 of the CEBPA gene, results from a C to G substitution at nucleotide position 11. The alanine at codon 4 is replaced by glycine, an amino acid with similar properties. This amino acid position is conserved. In addition, this alteration is predicted to be tolerated by in silico analysis. Based on the available evidence, the clinical significance of this variant remains unclear.

NM_004364.5(CEBPA):c.11C>G (p.Ala4Gly)

Genes: CEBPA (CCAAT enhancer binding protein alpha; minus strand), LOC130064183 (ATAC-STARR-seq lymphoblastoid silent region 10495; plus strand). Cytogenetic location: 19q13.11.
Variant type: single nucleotide variant.
Coding change: c.11C>G on transcript NM_004364.5 (MANE Select); coding-DNA position 11, C replaced by G.
Protein change: p.Ala4Gly; replaces alanine 4 with glycine.
Molecular consequence: missense variant. On other transcripts: 5 prime UTR variant (2).
Genome position (GRCh38, 1-based): chr19:33,302,404, G>C on the plus strand (C>G on the coding strand, the complement: CEBPA is on the minus strand). VCF-style: chr19-33302404-G-C. GRCh37 (hg19) VCF-style: chr19-33793310-G-C.
Other names: c.-347C>G (NM_001285829.2); c.116C>G, p.Ala39Gly (NM_001287424.2); c.-32C>G (NM_001287435.2); short protein forms A4G, A39G.
Identifiers: ClinVar variation 5034317 (VCV005034317.1).